The following is an entry in ClinVar:

NM_007126.5(VCP):c.*15C>T

Gene: VCP (valosin containing protein; minus strand). Cytogenetic location: 9p13.3.
Variant type: single nucleotide variant.
Coding change: c.*15C>T on transcript NM_007126.5 (MANE Select); 15 bases downstream of the stop codon, C replaced by T.
Molecular consequence: 3 prime UTR variant.
Genome position (GRCh38, 1-based): chr9:35,057,102, G>A on the plus strand (C>T on the coding strand, the complement: VCP is on the minus strand). VCF-style: chr9-35057102-G-A. GRCh37 (hg19) VCF-style: chr9-35057099-G-A.
Other names: c.*15C>T (NM_001354927.2, NM_001354928.2).
Identifiers: ClinVar variation 913745 (VCV000913745.4), dbSNP rs762559031, ClinGen allele CA5039054.

ClinVar aggregate classification (germline): Benign/Likely benign. Review status: criteria provided, single submitter (1 of 4 stars). 2 submissions from 1 submitter: Benign (1); Likely benign (1). Last evaluated 2018-01-12.

Conditions:
Frontotemporal dementia and/or amyotrophic lateral sclerosis 6 (FTDALS6). Also called: VCP-Related Amyotrophic Lateral Sclerosis; VCP-Related Amyotrophic Lateral Sclerosis/Frontotemporal Dementia. Identifiers: Orphanet 275872, Orphanet 803, MedGen C5436279, MONDO:0013501, OMIM 613954.
Inclusion body myopathy with Paget disease of bone and frontotemporal dementia type 1. Also called: Inclusion body myopathy with early-onset Paget disease with or without frontotemporal dementia 1; MULTISYSTEM PROTEINOPATHY 1; Inclusion body myopathy with early-onset Paget disease and frontotemporal dementia 1. Identifiers: MedGen C4551951, MONDO:0008178, OMIM 167320.

Allele frequency attached by ClinVar (database versions not stated): gnomAD 0.00004 and 0.00006; TOPMed 0.00008; gnomAD exomes 0.00013 and 0.00018; ExAC 0.00019.
gnomAD v4.1: 192 of 1,613,200 alleles (0.012%); highest among the groups gnomAD compares: East Asian, 0.29%; 1 homozygote.

Submissions (2):

Illumina Laboratory Services, Illumina
Classification: Benign for Inclusion body myopathy with Paget disease of bone and frontotemporal dementia type 1. Last evaluated: 2018-01-12. Review status: criteria provided, single submitter. Criteria: ICSL Variant Classification Criteria 13 December 2019. Collection method: clinical testing. Allele origin: germline.
Comment: This variant was observed in the ICSL laboratory as part of a predisposition screen in an ostensibly healthy population. It had not been previously curated by ICSL or reported in the Human Gene Mutation Database (HGMD: prior to June 1st, 2018), and was therefore a candidate for classification through an automated scoring system. Utilizing variant allele frequency, disease prevalence and penetrance estimates, and inheritance mode, an automated score was calculated to assess if this variant is too frequent to cause the disease. Based on the score and internal cut-off values, a variant classified as benign is not then subjected to further curation. The score for this variant resulted in a classification of benign for this disease.

Illumina Laboratory Services, Illumina
Classification: Likely benign for Frontotemporal dementia and/or amyotrophic lateral sclerosis 6. Last evaluated: 2018-01-12. Review status: criteria provided, single submitter. Criteria: ICSL Variant Classification Criteria 13 December 2019. Collection method: clinical testing. Allele origin: germline.
Comment: This variant was observed in the ICSL laboratory as part of a predisposition screen in an ostensibly healthy population. It had not been previously curated by ICSL or reported in the Human Gene Mutation Database (HGMD: prior to June 1st, 2018), and was therefore a candidate for classification through an automated scoring system. Utilizing variant allele frequency, disease prevalence and penetrance estimates, and inheritance mode, an automated score was calculated to assess if this variant is too frequent to cause the disease. Based on the score and internal cut-off values, a variant classified as likely benign is not then subjected to further curation. The score for this variant resulted in a classification of likely benign for this disease.